The following is an entry in ClinVar:

ClinVar aggregate classification (germline): Uncertain significance (1 of 4 stars; one submission).

Allele frequency attached by ClinVar (database versions not stated): gnomAD exomes below 0.00001; TOPMed below 0.00001.
gnomAD v4.1: 1 of 1,614,060 alleles (0.000062%); highest among the groups gnomAD compares: Admixed American, 0.0017%; no homozygotes.

Submission:

Labcorp Genetics (formerly Invitae), Labcorp
Classification: Uncertain significance. Last evaluated: 2022-07-19. Review status: criteria provided, single submitter. Criteria: Invitae Variant Classification Sherloc (09022015). Collection method: clinical testing. Allele origin: germline.
Comment: In summary, the available evidence is currently insufficient to determine the role of this variant in disease. Therefore, it has been classified as a Variant of Uncertain Significance. Algorithms developed to predict the effect of missense changes on protein structure and function (SIFT, PolyPhen-2, Align-GVGD) all suggest that this variant is likely to be tolerated. ClinVar contains an entry for this variant (Variation ID: 1376630). This variant has not been reported in the literature in individuals affected with PPP2R5D-related conditions. This variant is not present in population databases (gnomAD no frequency). This sequence change replaces lysine, which is basic and polar, with asparagine, which is neutral and polar, at codon 500 of the PPP2R5D protein (p.Lys500Asn).

NM_006245.4(PPP2R5D):c.1500G>C (p.Lys500Asn)

Gene: PPP2R5D (protein phosphatase 2 regulatory subunit B'delta; plus strand). Cytogenetic location: 6p21.1.
Variant type: single nucleotide variant.
Coding change: c.1500G>C on transcript NM_006245.4 (MANE Select); coding-DNA position 1500, G replaced by C.
Protein change: p.Lys500Asn; replaces lysine 500 with asparagine.
Molecular consequence: missense variant.
Genome position (GRCh38, 1-based): chr6:43,010,682, G>C. VCF-style: chr6-43010682-G-C. GRCh37 (hg19) VCF-style: chr6-42978420-G-C.
Other names: c.1047G>C, p.Lys349Asn (NM_001270476.2); c.1404G>C, p.Lys468Asn (NM_180976.3); c.1182G>C, p.Lys394Asn (NM_180977.3); short protein forms K349N, K500N, K394N, K468N.
Identifiers: ClinVar variation 1376630 (VCV001376630.6), dbSNP rs1762308153, ClinGen allele CA364142127.